The following is an entry in ClinVar:

NM_004484.4(GPC3):c.338-4dup

Gene: GPC3 (glypican 3; minus strand). Cytogenetic location: Xq26.2.
Variant type: Duplication.
Coding change: c.338-4dup on transcript NM_004484.4 (MANE Select); 4 bases into the intron before coding-DNA position 338, one base duplicated (A; older notation c.338-4dupA).
Molecular consequence: intron variant.
Genome position (GRCh38, 1-based): chrX:133,754,180, T duplicated on the plus strand (A on the coding strand, the reverse complement: GPC3 is on the minus strand). VCF-style (leftmost placement, unchanged base first): chrX-133754179-G-GT. GRCh37 (hg19) VCF-style: chrX-132888206-G-GT.
Other names: c.176-4dup (NM_001164619.2); c.290-4dup (NM_001164618.2); c.338-4dup (NM_001164617.2).
Identifiers: ClinVar variation 4984448 (VCV004984448.1).

ClinVar aggregate classification (germline): Likely benign (1 of 4 stars; one submission).

Conditions:
GPC3-related disorder. Also called: GPC3-related condition.

Submission:

PreventionGenetics, part of Exact Sciences
Classification: Likely benign for GPC3-related condition. Last evaluated: 2025-06-24. Review status: criteria provided, single submitter. Criteria: ACMG Guidelines, 2015. Collection method: clinical testing. Allele origin: germline.
Comment: This variant is classified as likely benign based on ACMG/AMP sequence variant interpretation guidelines (Richards et al. 2015 PMID: 25741868, with internal and published modifications).